The following is an entry in ClinVar:

NM_001144967.3(NEDD4L):c.980G>A (p.Ser327Asn)

Gene: NEDD4L (NEDD4 like E3 ubiquitin protein ligase; plus strand). Cytogenetic location: 18q21.31.
Variant type: single nucleotide variant.
Coding change: c.980G>A on transcript NM_001144967.3 (MANE Select); coding-DNA position 980, G replaced by A.
Protein change: p.Ser327Asn; replaces serine 327 with asparagine.
Molecular consequence: missense variant.
Genome position (GRCh38, 1-based): chr18:58,330,904, G>A. VCF-style: chr18-58330904-G-A. GRCh37 (hg19) VCF-style: chr18-55998136-G-A.
Other names: c.617G>A, p.Ser206Asn (NM_001144964.1, NM_001144965.2, NM_001144966.3 and 2 more transcripts); c.956G>A, p.Ser319Asn (NM_001144968.2, NM_001144969.2); c.980G>A, p.Ser327Asn (NM_001243960.2, NM_015277.6); short protein forms S206N, S319N, S327N.
Identifiers: ClinVar variation 963604 (VCV000963604.10), dbSNP rs190926188, ClinGen allele CA8975522.

ClinVar aggregate classification (germline): Uncertain significance (1 of 4 stars; one submission).

Allele frequency attached by ClinVar (database versions not stated): gnomAD 0.00001; ExAC 0.00002; gnomAD exomes 0.00002; TOPMed 0.00003; 1000 Genomes Project 30x 0.00016; 1000 Genomes Project 0.00020.
gnomAD v4.1: 5 of 1,613,422 alleles (0.00031%); highest among the groups gnomAD compares: East Asian, 0.011%; no homozygotes.

Submission:

Labcorp Genetics (formerly Invitae), Labcorp
Classification: Uncertain significance. Last evaluated: 2023-08-17. Review status: criteria provided, single submitter. Criteria: Invitae Variant Classification Sherloc (09022015). Collection method: clinical testing. Allele origin: germline.
Comment: This sequence change replaces serine, which is neutral and polar, with asparagine, which is neutral and polar, at codon 327 of the NEDD4L protein (p.Ser327Asn). This variant is present in population databases (rs190926188, gnomAD 0.02%). This variant has not been reported in the literature in individuals affected with NEDD4L-related conditions. ClinVar contains an entry for this variant (Variation ID: 963604). An algorithm developed to predict the effect of missense changes on protein structure and function (PolyPhen-2) suggests that this variant is likely to be tolerated. In summary, the available evidence is currently insufficient to determine the role of this variant in disease. Therefore, it has been classified as a Variant of Uncertain Significance.